The following is an entry in ClinVar:

NM_000038.6(APC):c.646-6_646-2del

Gene: APC (APC regulator of Wnt signaling pathway; plus strand). Cytogenetic location: 5q22.2.
Variant type: Microsatellite.
Coding change: c.646-6_646-2del on transcript NM_000038.6 (MANE Select); 6 bases into the intron before coding-DNA position 646 through the canonical splice acceptor site of the intron before coding-DNA position 646, 5 bases deleted (TTTTA; older notation c.646-6_646-2delTTTTA).
Molecular consequence: splice acceptor variant. On other transcripts: intron variant (2).
Genome position (GRCh38, 1-based): chr5:112,792,440-112,792,444, TTTTA deleted; deleting any 5 consecutive bases within chr5:112,792,435-112,792,444 gives the same sequence; the c. name uses the placement nearest the transcript's 3' end. VCF-style (leftmost placement, unchanged base first): chr5-112792434-GTTTTA-G. GRCh37 (hg19) VCF-style: chr5-112128131-GTTTTA-G.
Other names: c.646-6_646-2del (NM_001354895.2, NM_001127510.3, NM_001354896.2 and 1 more transcripts); c.676-6_676-2del (NM_001354897.2, NM_001354902.2); c.676-8839_676-8835del (NM_001127511.3); c.571-6_571-2del (NM_001354898.2, NM_001354904.2); c.-390-6_-390-2del (NM_001354906.2); c.646-8839_646-8835del (NM_001354899.2); c.469-6_469-2del (NM_001354900.2, NM_001354901.2, NM_001354905.2).
Identifiers: ClinVar variation 943980 (VCV000943980.8), dbSNP rs1759722664, ClinGen allele CA1573496943.

ClinVar aggregate classification (germline): Uncertain significance (1 of 4 stars; one submission).

Conditions:
Familial adenomatous polyposis 1 (FAP1). Also called: POLYPOSIS, ADENOMATOUS INTESTINAL; FAMILIAL ADENOMATOUS POLYPOSIS 1, ATTENUATED. Identifiers: MedGen C2713442, MONDO:0021056, OMIM 175100. Disease mechanism: loss of function.

Submission:

Labcorp Genetics (formerly Invitae), Labcorp
Classification: Uncertain significance for Familial adenomatous polyposis 1. Last evaluated: 2022-03-20. Review status: criteria provided, single submitter. Criteria: Invitae Variant Classification Sherloc (09022015). Collection method: clinical testing. Allele origin: germline.
Comment: This sequence change falls in intron 6 of the APC gene. It does not directly change the encoded amino acid sequence of the APC protein. This variant is not present in population databases (gnomAD no frequency). This variant has not been reported in the literature in individuals affected with APC-related conditions. ClinVar contains an entry for this variant (Variation ID: 943980). Algorithms developed to predict the effect of sequence changes on RNA splicing suggest that this variant may create or strengthen a splice site. In summary, the available evidence is currently insufficient to determine the role of this variant in disease. Therefore, it has been classified as a Variant of Uncertain Significance.